The following is an entry in ClinVar:

ClinVar aggregate classification (germline): Benign. Review status: criteria provided, multiple submitters, no conflicts (2 of 4 stars). 2 submissions from 2 submitters: Benign (2). Last evaluated 2018-01-12.

Conditions:
Posterior column ataxia-retinitis pigmentosa syndrome (RETSNS). Also called: RETINOPATHY-SENSORY NEUROPATHY SYNDROME. Identifiers: Orphanet 88628, MedGen C1836916, MONDO:0012177, OMIM 609033.

Allele frequency attached by ClinVar (database versions not stated): 1000 Genomes Project 0.00899; TOPMed 0.01990; 1000 Genomes Project 30x 0.00984; gnomAD exomes 0.16667.

Submissions (2):

Illumina Laboratory Services, Illumina
Classification: Benign for Posterior column ataxia-retinitis pigmentosa syndrome. Last evaluated: 2018-01-12. Review status: criteria provided, single submitter. Criteria: ICSL Variant Classification Criteria 13 December 2019. Collection method: clinical testing. Allele origin: germline.
Comment: This variant was observed in the ICSL laboratory as part of a predisposition screen in an ostensibly healthy population. It had not been previously curated by ICSL or reported in the Human Gene Mutation Database (HGMD: prior to June 1st, 2018), and was therefore a candidate for classification through an automated scoring system. Utilizing variant allele frequency, disease prevalence and penetrance estimates, and inheritance mode, an automated score was calculated to assess if this variant is too frequent to cause the disease. Based on the score and internal cut-off values, a variant classified as benign is not then subjected to further curation. The score for this variant resulted in a classification of benign for this disease.

Breakthrough Genomics
Classification: Benign. Review status: criteria provided, single submitter. Criteria: ACMG Guidelines, 2015. Collection method: not provided. Allele origin: germline. Inheritance: Autosomal recessive inheritance. Affected: yes.

NM_014053.4(FLVCR1):c.*3482C>G

Gene: FLVCR1 (FLVCR choline and heme transporter 1; plus strand). Cytogenetic location: 1q32.3.
Variant type: single nucleotide variant.
Coding change: c.*3482C>G on transcript NM_014053.4 (MANE Select); 3482 bases downstream of the stop codon, C replaced by G.
Molecular consequence: 3 prime UTR variant.
Genome position (GRCh38, 1-based): chr1:212,898,772, C>G. VCF-style: chr1-212898772-C-G. GRCh37 (hg19) VCF-style: chr1-213072114-C-G.
Identifiers: ClinVar variation 295401 (VCV000295401.6), dbSNP rs12142813, ClinGen allele CA10609100.